The following is an entry in ClinVar:

NM_001365276.2(TNXB):c.3703C>T (p.Arg1235Trp)

Gene: TNXB (tenascin XB; minus strand). Cytogenetic location: 6p21.33.
Variant type: single nucleotide variant.
Coding change: c.3703C>T on transcript NM_001365276.2 (MANE Select); coding-DNA position 3703, C replaced by T.
Protein change: p.Arg1235Trp; replaces arginine 1235 with tryptophan.
Molecular consequence: missense variant.
Genome position (GRCh38, 1-based): chr6:32,082,069, G>A on the plus strand (C>T on the coding strand, the complement: TNXB is on the minus strand). VCF-style: chr6-32082069-G-A. GRCh37 (hg19) VCF-style: chr6-32049846-G-A.
Other names: c.3703C>T, p.Arg1235Trp (NM_019105.8); short protein forms R1235W.
Identifiers: ClinVar variation 3252272 (VCV003252272.2), dbSNP rs754586168.

ClinVar aggregate classification (germline): Uncertain significance. Review status: criteria provided, multiple submitters, no conflicts (2 of 4 stars). 2 submissions from 2 submitters: Uncertain significance (2). Last evaluated 2026-06-29.

Conditions:
Cardiovascular phenotype. Identifiers: MedGen CN230736.

Allele frequency attached by ClinVar (database versions not stated): 1000 Genomes Project 30x 0.00016; gnomAD 0.00001; ExAC 0.00001.
gnomAD v4.1: 25 of 1,608,174 alleles (0.0016%); highest among the groups gnomAD compares: Middle Eastern, 0.033%; no homozygotes.

Submissions (2):

Ambry Genetics
Classification: Uncertain significance for Cardiovascular phenotype. Last evaluated: 2026-06-29. Review status: criteria provided, single submitter. Criteria: Ambry Variant Classification Scheme 2023. Collection method: clinical testing. Allele origin: germline.
Comment: The p.R1235W variant (also known as c.3703C>T), located in coding exon 8 of the TNXB gene, results from a C to T substitution at nucleotide position 3703. The arginine at codon 1235 is replaced by tryptophan, an amino acid with dissimilar properties. This amino acid position is well conserved in available vertebrate species. In addition, this alteration is predicted to be tolerated by in silico analysis. Based on the available evidence, the clinical significance of this variant remains unclear.

GeneDx
Classification: Uncertain significance. Last evaluated: 2023-11-29. Review status: criteria provided, single submitter. Criteria: GeneDx Variant Classification Process June 2021. Collection method: clinical testing. Allele origin: germline. Affected: yes.
Comment: Has not been previously published as pathogenic or benign to our knowledge; In silico analysis supports that this missense variant has a deleterious effect on protein structure/function